The following is an entry in ClinVar:

NM_014975.3(MAST1):c.4427G>T (p.Gly1476Val)

Gene: MAST1 (microtubule associated serine/threonine kinase 1; plus strand). Cytogenetic location: 19p13.13.
Variant type: single nucleotide variant.
Coding change: c.4427G>T on transcript NM_014975.3 (MANE Select); coding-DNA position 4427, G replaced by T.
Protein change: p.Gly1476Val; replaces glycine 1476 with valine.
Molecular consequence: missense variant.
Genome position (GRCh38, 1-based): chr19:12,874,584, G>T. VCF-style: chr19-12874584-G-T. GRCh37 (hg19) VCF-style: chr19-12985398-G-T.
Other names: short protein forms G1476V.
Identifiers: ClinVar variation 4083361 (VCV004083361.1).
Genomic context (GRCh38, chr19:12,874,584, plus strand): 5'-ACTCCAAGGGGTTGCAGGAACCCGCACCCCTGGCGCCTTCCGTGCCCGAGGCCCCCCGGG[G>T]CCGGGAGCGCTGGGTGTTGGAGGTGGTGGAGGAGCGCACCACGCTGAGCGGTCCTCGCTC-3'
Protein context (NP_055790.1, residues 1466-1486): LAPSVPEAPR[Gly1476Val]RERWVLEVVE

ClinVar aggregate classification (germline): Uncertain significance (1 of 4 stars; one submission).

Submission:

GeneDx
Classification: Uncertain significance. Last evaluated: 2025-03-14. Review status: criteria provided, single submitter. Criteria: GeneDx Variant Classification Process June 2021. Collection method: clinical testing. Allele origin: germline. Affected: yes.
Comment: Not observed at significant frequency in large population cohorts (gnomAD); In silico analysis indicates that this missense variant does not alter protein structure/function; Has not been previously published as pathogenic or benign to our knowledge